The following is an entry in ClinVar:

NM_000127.3(EXT1):c.649_662del (p.Ala217fs)

Gene: EXT1 (exostosin glycosyltransferase 1; minus strand). Cytogenetic location: 8q24.11.
Variant type: Deletion.
Coding change: c.649_662del on transcript NM_000127.3 (MANE Select); coding-DNA positions 649 to 662, 14 bases deleted (GCCAAAGCCAGCAT).
Protein change: p.Ala217fs; shifts the reading frame from alanine 217.
Molecular consequence: frameshift variant.
Genome position (GRCh38, 1-based): chr8:118,110,385-118,110,398, ATGCTGGCTTTGGC deleted on the plus strand (GCCAAAGCCAGCAT on the coding strand, the reverse complement: EXT1 is on the minus strand). VCF-style (leftmost placement, unchanged base first): chr8-118110384-GATGCTGGCTTTGGC-G. GRCh37 (hg19) VCF-style: chr8-119122623-GATGCTGGCTTTGGC-G.
Other names: short protein forms A217fs.
Identifiers: ClinVar variation 960510 (VCV000960510.7), dbSNP rs1817874249, ClinGen allele CA1139660748.

ClinVar aggregate classification (germline): Pathogenic (1 of 4 stars; one submission).

Conditions:
Multiple congenital exostosis (EXT). Also called: Multiple exostoses; Hereditary multiple osteochondromas; Hereditary multiple exostoses; Hereditary multiple exostosis; Multiple osteochondromas; MULTIPLE CARTILAGINOUS EXOSTOSES. Identifiers: Orphanet 321, MedGen C0015306, MONDO:0005508, HP:0002762.

Submission:

Labcorp Genetics (formerly Invitae), Labcorp
Classification: Pathogenic for Multiple congenital exostosis. Last evaluated: 2019-08-13. Review status: criteria provided, single submitter. Criteria: Invitae Variant Classification Sherloc (09022015). Collection method: clinical testing. Allele origin: germline.
Comment: This variant is not present in population databases (ExAC no frequency). For these reasons, this variant has been classified as Pathogenic. Loss-of-function variants in EXT1 are known to be pathogenic (PMID: 10679937, 11391482, 19810120). This variant has not been reported in the literature in individuals with EXT1-related conditions. This sequence change creates a premature translational stop signal (p.Ala217Glnfs*3) in the EXT1 gene. It is expected to result in an absent or disrupted protein product.

Literature cited by the submitters: PubMed 10679937; PubMed 11391482; PubMed 19810120.